The following is an entry in ClinVar:

NM_017780.4(CHD7):c.7344_7345del (p.Glu2450fs)

Gene: CHD7 (chromodomain helicase DNA binding protein 7; plus strand). Cytogenetic location: 8q12.2.
Variant type: Deletion.
Coding change: c.7344_7345del on transcript NM_017780.4 (MANE Select); coding-DNA positions 7344 to 7345, 2 bases deleted (AA; older notation c.7344_7345delAA).
Protein change: p.Glu2450fs; shifts the reading frame from glutamic acid 2450.
Molecular consequence: frameshift variant. On other transcripts: intron variant (1).
Genome position (GRCh38, 1-based): chr8:60,856,624-60,856,625, AA deleted. VCF-style (leftmost placement, unchanged base first): chr8-60856623-CAA-C. GRCh37 (hg19) VCF-style: chr8-61769182-CAA-C.
Other names: c.1717-5605_1717-5604del (NM_001316690.1); short protein forms E2450fs.
Identifiers: ClinVar variation 689617 (VCV000689617.7), dbSNP rs1586453267, ClinGen allele CA915945723.

ClinVar aggregate classification (germline): Pathogenic. Review status: criteria provided, multiple submitters, no conflicts (2 of 4 stars). 3 submissions from 3 submitters: Pathogenic (3). Last evaluated 2026-05-08.

Conditions:
CHD7-related disorder. Also called: CHD7-related condition.
CHARGE syndrome (CHARGE). Also called: Coloboma, heart anomaly, choanal atresia, retardation, genital and ear anomalies; CHARGE association; Hall-Hittner syndrome; Hittner Hirsch Kreh syndrome; CHARGE ASSOCIATION--COLOBOMA, HEART ANOMALY, CHOANAL ATRESIA, RETARDATION, GENITAL AND EAR ANOMALIES. Identifiers: Orphanet 138, MedGen C0265354, MONDO:0008965.

Submissions (3):

PreventionGenetics, part of Exact Sciences
Classification: Pathogenic for CHD7-related condition. Last evaluated: 2026-05-08. Review status: criteria provided, single submitter. Criteria: ACMG Guidelines, 2015. Collection method: clinical testing. Allele origin: germline.
Comment: The CHD7 c.7344_7345delAA variant is predicted to result in a frameshift and premature protein termination (p.Glu2450Glyfs*19). This variant has been reported in individuals with CHARGE syndrome, and in one of those cases it was noted to be de novo (Lalani et al. 2006. PubMed ID: 16400610; Janssen et al. 2012. PubMed ID: 22461308 ; Table S2, Bowling et al. 2021. PubMed ID: 34930662). This variant has not been reported in a large population database (gnomAD), indicating this variant is rare. Frameshift variants in CHD7 are expected to be pathogenic. This variant is interpreted as pathogenic.

Labcorp Genetics (formerly Invitae), Labcorp
Classification: Pathogenic for CHARGE syndrome. Last evaluated: 2022-11-01. Review status: criteria provided, single submitter. Criteria: Invitae Variant Classification Sherloc (09022015). Collection method: clinical testing. Allele origin: germline.
Comment: For these reasons, this variant has been classified as Pathogenic. ClinVar contains an entry for this variant (Variation ID: 689617). This variant has not been reported in the literature in individuals affected with CHD7-related conditions. This variant is not present in population databases (gnomAD no frequency). This sequence change creates a premature translational stop signal (p.Glu2450Glyfs*19) in the CHD7 gene. It is expected to result in an absent or disrupted protein product. Loss-of-function variants in CHD7 are known to be pathogenic (PMID: 22461308, 25077900).

HudsonAlpha Institute for Biotechnology
Classification: Pathogenic for CHD7-related CHARGE syndrome. Last evaluated: 2019-04-05. Review status: criteria provided, single submitter. Criteria: ACMG Guidelines, 2015. Collection method: research. Allele origin: unknown. Affected: yes. Observed: 1 variant allele. Study: CSER-SouthSeq.
Comment: ACMG codes: PVS1, PM2, PP4

Literature cited by the submitters: PubMed 22461308 (cited by Labcorp Genetics (formerly Invitae), Labcorp); PubMed 25077900 (cited by Labcorp Genetics (formerly Invitae), Labcorp).